The following is an entry in ClinVar:

NM_177438.3(DICER1):c.5095+13C>T

Gene: DICER1 (dicer 1, ribonuclease III; minus strand). Cytogenetic location: 14q32.13.
Variant type: single nucleotide variant.
Coding change: c.5095+13C>T on transcript NM_177438.3 (MANE Select); 13 bases into the intron after coding-DNA position 5095, C replaced by T.
Molecular consequence: intron variant.
Genome position (GRCh38, 1-based): chr14:95,095,812, G>A on the plus strand (C>T on the coding strand, the complement: DICER1 is on the minus strand). VCF-style: chr14-95095812-G-A. GRCh37 (hg19) VCF-style: chr14-95562149-G-A.
Other names: c.5095+13C>T (NM_001291628.2, NM_030621.4, NM_001271282.3 and 1 more transcripts).
Identifiers: ClinVar variation 135513 (VCV000135513.30), dbSNP rs116247322, ClinGen allele CA162968.

ClinVar aggregate classification (germline): Benign/Likely benign. Review status: criteria provided, multiple submitters, no conflicts (2 of 4 stars). 9 submissions from 9 submitters: Benign (6); Likely benign (2). 1 of the submissions does not count toward it. Last evaluated 2026-02-03.

Conditions:
Pleuropulmonary blastoma (PPB). Identifiers: Orphanet 64742, MedGen C1266144, MONDO:0011014, OMIM 601200, HP:0100528.
DICER1-related tumor predisposition. Also called: DICER1-related pleuropulmonary blastoma cancer predisposition syndrome; DICER1 syndrome. Identifiers: Orphanet 284343, MedGen C3839822, MONDO:0100216.

Allele frequency attached by ClinVar (database versions not stated): gnomAD exomes 0.00060 and 0.00140; ExAC 0.00159; gnomAD 0.00539 and 0.00577; ESP Exome Variant Server 0.00546; TOPMed 0.00612; 1000 Genomes Project 0.00639; 1000 Genomes Project 30x 0.00687.
gnomAD v4.1: 1,751 of 1,613,750 alleles (0.11%); highest among the groups gnomAD compares: African/African-American, 1.8%; 10 homozygotes.

Submissions (9):

Labcorp Genetics (formerly Invitae), Labcorp
Classification: Benign for DICER1-related tumor predisposition. Last evaluated: 2026-02-03. Review status: criteria provided, single submitter. Criteria: Invitae Variant Classification Sherloc (09022015). Collection method: clinical testing. Allele origin: germline.

Center for Genomic Medicine, Rigshospitalet, Copenhagen University Hospital
Classification: Benign. Last evaluated: 2025-03-04. Review status: criteria provided, single submitter. Criteria: ACMG Guidelines, 2015. Collection method: clinical testing. Allele origin: germline.

ARUP Laboratories, Molecular Genetics and Genomics, ARUP Laboratories
Classification: Benign. Last evaluated: 2025-02-28. Review status: criteria provided, single submitter. Criteria: ARUP Molecular Germline Variant Investigation Process 2024. Collection method: clinical testing. Allele origin: germline.

Blueprint Genetics
Classification: Likely benign. Last evaluated: 2024-11-21. Review status: criteria provided, single submitter. Criteria: ACMG Guidelines, 2015. Collection method: clinical testing. Allele origin: germline.

KCCC/NGS Laboratory, Kuwait Cancer Control Center
Classification: Benign for Pleuropulmonary blastoma. Last evaluated: 2023-07-07. Review status: criteria provided, single submitter. Criteria: ACMG Guidelines, 2015. Collection method: clinical testing. Allele origin: germline. Affected: yes.

Illumina Laboratory Services, Illumina
Classification: Benign for Pleuropulmonary blastoma. Last evaluated: 2018-01-13. Review status: criteria provided, single submitter. Criteria: ICSL Variant Classification Criteria 13 December 2019. Collection method: clinical testing. Allele origin: germline.
Comment: This variant was observed in the ICSL laboratory as part of a predisposition screen in an ostensibly healthy population. It had not been previously curated by ICSL or reported in the Human Gene Mutation Database (HGMD: prior to June 1st, 2018), and was therefore a candidate for classification through an automated scoring system. Utilizing variant allele frequency, disease prevalence and penetrance estimates, and inheritance mode, an automated score was calculated to assess if this variant is too frequent to cause the disease. Based on the score and internal cut-off values, a variant classified as benign is not then subjected to further curation. The score for this variant resulted in a classification of benign for this disease.

GeneDx
Classification: Likely benign. Last evaluated: 2016-10-14. Review status: criteria provided, single submitter. Criteria: GeneDx Variant Classification (06012015). Collection method: clinical testing. Allele origin: germline. Affected: yes.
Comment: This variant is considered likely benign or benign based on one or more of the following criteria: it is a conservative change, it occurs at a poorly conserved position in the protein, it is predicted to be benign by multiple in silico algorithms, and/or has population frequency not consistent with disease.

PreventionGenetics, part of Exact Sciences
Classification: Benign. Last evaluated: 2015-10-27. Review status: criteria provided, single submitter. Criteria: ACMG Guidelines, 2015. Collection method: clinical testing. Allele origin: germline.

ITMI
No classification provided. Condition: AllHighlyPenetrant. Last evaluated: 2013-09-19. Review status: no classification provided. Collection method: reference population. Allele origin: germline. Not counted in ClinVar's aggregate classification.
Comment: Please see associated publication for description of ethnicities

Literature cited by the submitters: PubMed 24728327 (cited by ITMI).